The following is an entry in ClinVar:

NM_020365.5(EIF2B3):c.604G>T (p.Ala202Ser)

Gene: EIF2B3 (eukaryotic translation initiation factor 2B subunit gamma; minus strand). Cytogenetic location: 1p34.1.
Variant type: single nucleotide variant.
Coding change: c.604G>T on transcript NM_020365.5 (MANE Select); coding-DNA position 604, G replaced by T.
Protein change: p.Ala202Ser; replaces alanine 202 with serine.
Molecular consequence: missense variant.
Genome position (GRCh38, 1-based): chr1:44,897,407, C>A on the plus strand (G>T on the coding strand, the complement: EIF2B3 is on the minus strand). VCF-style: chr1-44897407-C-A. GRCh37 (hg19) VCF-style: chr1-45363079-C-A.
Other names: c.604G>T, p.Ala202Ser (NM_001166588.3, NM_001261418.2); short protein forms A202S.
Identifiers: ClinVar variation 1698118 (VCV001698118.2), dbSNP rs539215452, ClinGen allele CA823968.
Genomic context (GRCh38, chr1:44,897,407, plus strand): 5'-TTTCTTACCCATTTTCCATTAGGAAATCCACGATGTATTTTTTCAAACAGTAGAGGTGGG[C>A]ATCCACAAGACCCGTGTGGAAACGTATTCTAGGATGCCTGCAAAAAAATAAAAAATAAAA-3'
Protein context (NP_065098.1, residues 192-212): RIRFHTGLVD[Ala202Ser]HLYCLKKYIV

ClinVar aggregate classification (germline): Uncertain significance (1 of 4 stars; one submission).

Allele frequency attached by ClinVar (database versions not stated): gnomAD 0.00001; gnomAD exomes 0.00001; ExAC 0.00002; 1000 Genomes Project 30x 0.00016; 1000 Genomes Project 0.00020.
gnomAD v4.1: 10 of 1,613,442 alleles (0.00062%); highest among the groups gnomAD compares: South Asian, 0.0099%; no homozygotes.

Submission:

GeneDx
Classification: Uncertain significance. Last evaluated: 2022-01-20. Review status: criteria provided, single submitter. Criteria: GeneDx Variant Classification Process June 2021. Collection method: clinical testing. Allele origin: germline. Affected: yes.
Comment: In silico analysis supports that this missense variant does not alter protein structure/function; Has not been previously published as pathogenic or benign to our knowledge